The following is an entry in ClinVar:

ClinVar aggregate classification (germline): Uncertain significance (1 of 4 stars; one submission).

Conditions:
MHC class I deficiency. Identifiers: Orphanet 34592, MedGen C6024714, MONDO:0011476.

Submission:

Labcorp Genetics (formerly Invitae), Labcorp
Classification: Uncertain significance for MHC class I deficiency 1. Last evaluated: 2025-09-04. Review status: criteria provided, single submitter. Criteria: Invitae Variant Classification Sherloc (09022015). Collection method: clinical testing. Allele origin: germline.
Comment: This sequence change creates a premature translational stop signal (p.Trp348*) in the TAPBP gene. It is expected to result in an absent or disrupted protein product. However, the current clinical and genetic evidence is not sufficient to establish whether loss-of-function variants in TAPBP cause disease. This variant is not present in population databases (gnomAD no frequency). This variant has not been reported in the literature in individuals affected with TAPBP-related conditions. In summary, the available evidence is currently insufficient to determine the role of this variant in disease. Therefore, it has been classified as a Variant of Uncertain Significance.

NM_003190.5(TAPBP):c.1044G>A (p.Trp348Ter)

Gene: TAPBP (TAP binding protein; minus strand). Cytogenetic location: 6p21.32.
Variant type: single nucleotide variant.
Coding change: c.1044G>A on transcript NM_003190.5 (MANE Select); coding-DNA position 1044, G replaced by A.
Protein change: p.Trp348Ter; replaces tryptophan 348 with a stop codon.
Molecular consequence: nonsense.
Genome position (GRCh38, 1-based): chr6:33,304,463, C>T on the plus strand (G>A on the coding strand, the complement: TAPBP is on the minus strand). VCF-style: chr6-33304463-C-T. GRCh37 (hg19) VCF-style: chr6-33272240-C-T.
Other names: c.1044G>A, p.Trp348Ter (NM_001410875.1, NM_172208.3); c.783G>A, p.Trp261Ter (NM_172209.3); short protein forms W261*, W348*.
Identifiers: ClinVar variation 4720816 (VCV004720816.1).
Genomic context (GRCh38, chr6:33,304,463, plus strand): 5'-CGGCTGCAAGTGCCCAGAGAGGCTGACAGAGCCATCGGAATGGTGGCGCAGGGCCGAGAG[C>T]CACCTCTGCCCCTCGGCCTTCTGAGAGCGGCCCCCTGGGCCACCCCGGAGTTCCCACTCC-3'